The following is an entry in ClinVar:

NM_004168.4(SDHA):c.1323C>T (p.Ala441=)

Gene: SDHA (succinate dehydrogenase complex flavoprotein subunit A; plus strand). Cytogenetic location: 5p15.33.
Variant type: single nucleotide variant.
Coding change: c.1323C>T on transcript NM_004168.4 (MANE Select); coding-DNA position 1323, C replaced by T.
Protein change: p.Ala441=; no amino-acid change (alanine 441 retained).
Molecular consequence: synonymous variant.
Genome position (GRCh38, 1-based): chr5:236,490, C>T. VCF-style: chr5-236490-C-T. GRCh37 (hg19) VCF-style: chr5-236605-C-T.
Other names: c.1179C>T, p.Ala393= (NM_001294332.2); c.1323C>T, p.Ala441= (NM_001330758.2).
Identifiers: ClinVar variation 486374 (VCV000486374.21), dbSNP rs751561561, ClinGen allele CA3173193.

ClinVar aggregate classification (germline): Benign/Likely benign. Review status: criteria provided, multiple submitters, no conflicts (2 of 4 stars). 6 submissions from 6 submitters: Benign (1); Likely benign (4). 1 of the submissions does not count toward it. Last evaluated 2025-12-28.

Conditions:
Hereditary cancer-predisposing syndrome. Also called: Neoplastic Syndromes, Hereditary; Hereditary Cancer Syndrome; Hereditary neoplastic syndrome; Tumor predisposition. Identifiers: Orphanet 140162, MedGen C0027672, MeSH D009386, MONDO:0015356.
Pheochromocytoma/paraganglioma syndrome 5. Also called: Paragangliomas 5; SDHA-Related Hereditary Paraganglioma-Pheochromocytoma Syndrome. Identifiers: Orphanet 29072, MedGen C3279992, MONDO:0013602, OMIM 614165.
SDHA-related disorder. Also called: SDHA-related condition; SDHA-related disorders.
Mitochondrial complex II deficiency, nuclear type 1. Also called: SUCCINATE CoQ REDUCTASE DEFICIENCY. Identifiers: Orphanet 3208, MedGen C5700310, MONDO:0100294, OMIM 252011.

Allele frequency attached by ClinVar (database versions not stated): gnomAD 0.00001 and 0.00002; TOPMed 0.00001; ExAC 0.00002; gnomAD exomes 0.00002.
gnomAD v4.1: 30 of 1,613,752 alleles (0.0019%); highest among the groups gnomAD compares: Middle Eastern, 0.016%; no homozygotes.

Submissions (6):

Labcorp Genetics (formerly Invitae), Labcorp
Classification: Likely benign for Pheochromocytoma/paraganglioma syndrome 5; Mitochondrial complex II deficiency, nuclear type 1. Last evaluated: 2025-12-28. Review status: criteria provided, single submitter. Criteria: Invitae Variant Classification Sherloc (09022015). Collection method: clinical testing. Allele origin: germline.

Myriad Genetics, Inc.
Classification: Benign for Pheochromocytoma/paraganglioma syndrome 5. Last evaluated: 2025-03-10. Review status: criteria provided, single submitter. Criteria: Myriad Autosomal Dominant, Autosomal Recessive and X-Linked Classification Criteria (2023). Collection method: clinical testing. Allele origin: unknown.
Comment: This variant is considered benign. This variant is a silent/synonymous amino acid change and it is not expected to impact splicing.

KCCC/NGS Laboratory, Kuwait Cancer Control Center
Classification: Likely benign for Pheochromocytoma/paraganglioma syndrome 5. Last evaluated: 2023-07-07. Review status: criteria provided, single submitter. Criteria: ACMG Guidelines, 2015. Collection method: clinical testing. Allele origin: germline. Affected: yes.

Sema4
Classification: Likely benign for Hereditary cancer-predisposing syndrome. Last evaluated: 2020-06-08. Review status: criteria provided, single submitter. Criteria: Sema4 Curation Guidelines. Collection method: curation. Allele origin: germline.

Ambry Genetics
Classification: Likely benign for Hereditary cancer-predisposing syndrome. Last evaluated: 2017-05-17. Review status: criteria provided, single submitter. Criteria: Ambry Variant Classification Scheme 2023. Collection method: clinical testing. Allele origin: germline.

PreventionGenetics, part of Exact Sciences
Classification: Likely benign for SDHA-related condition. Last evaluated: 2019-02-27. Review status: no assertion criteria provided. Collection method: clinical testing. Allele origin: germline. Not counted in ClinVar's aggregate classification.
Comment: This variant is classified as likely benign based on ACMG/AMP sequence variant interpretation guidelines (Richards et al. 2015 PMID: 25741868, with internal and published modifications).